The following is an entry in ClinVar:

NM_033629.6(TREX1):c.317A>G (p.Asn106Ser)

Genes: TREX1 (three prime repair exonuclease 1; plus strand), ATRIP (ATR interacting protein; plus strand), ATRIP-TREX1 (ATRIP-TREX1 readthrough; plus strand). Cytogenetic location: 3p21.31.
Variant type: single nucleotide variant.
Coding change: c.317A>G on transcript NM_033629.6 (MANE Select); coding-DNA position 317, A replaced by G.
Protein change: p.Asn106Ser; replaces asparagine 106 with serine.
Molecular consequence: missense variant. On other transcripts: non-coding transcript variant (1), 3 prime UTR variant (4).
Genome position (GRCh38, 1-based): chr3:48,466,972, A>G. VCF-style: chr3-48466972-A-G. GRCh37 (hg19) VCF-style: chr3-48508371-A-G.
Other names: c.287A>G, p.Asn96Ser (NM_007248.5); c.*1418A>G (NM_001271022.2, NM_001271023.2, NM_032166.4 and 1 more transcripts); short protein forms N106S, N96S.
Identifiers: ClinVar variation 1029040 (VCV001029040.1), dbSNP rs2040342178, ClinGen allele CA352617864.

ClinVar aggregate classification (germline): Uncertain significance (1 of 4 stars; one submission).

Conditions:
Aicardi-Goutieres syndrome 1. Also called: PSEUDOTOXOPLASMOSIS SYNDROME; CREE ENCEPHALITIS; ENCEPHALOPATHY, FAMILIAL INFANTILE, WITH INTRACRANIAL CALCIFICATION AND CHRONIC CEREBROSPINAL FLUID LYMPHOCYTOSIS. Identifiers: Orphanet 51, MedGen C0796126, MONDO:0009165, OMIM 225750.

Submission:

Baylor Genetics
Classification: Uncertain significance for Aicardi-Goutieres syndrome 1. Last evaluated: 2020-09-20. Review status: criteria provided, single submitter. Criteria: ACMG Guidelines, 2015. Collection method: clinical testing. Allele origin: unknown. Affected: yes.
Comment: This variant was determined to be of uncertain significance according to ACMG Guidelines, 2015 [PMID:25741868].